The following is an entry in ClinVar:

NM_024675.4(PALB2):c.1591_1600del (p.Pro532fs)

Gene: PALB2 (partner and localizer of BRCA2; minus strand). Cytogenetic location: 16p12.2.
Variant type: Deletion.
Coding change: c.1591_1600del on transcript NM_024675.4 (MANE Select); coding-DNA positions 1591 to 1600, 10 bases deleted (TTGCCAACTT; older notation c.1591_1600delTTGCCAACTT).
Protein change: p.Pro532fs; shifts the reading frame from proline 532.
Molecular consequence: frameshift variant.
Genome position (GRCh38, 1-based): chr16:23,634,946-23,634,955, AAGTTGGCAA deleted on the plus strand (TTGCCAACTT on the coding strand, the reverse complement: PALB2 is on the minus strand); deleting any 10 consecutive bases within chr16:23,634,946-23,634,959 gives the same sequence; the c. name uses the placement nearest the transcript's 3' end. VCF-style (leftmost placement, unchanged base first): chr16-23634945-GAAGTTGGCAA-G. GRCh37 (hg19) VCF-style: chr16-23646266-GAAGTTGGCAA-G.
Other names: c.1591_1600del10 (NM_024675.3); short protein forms P532fs.
Identifiers: ClinVar variation 143965 (VCV000143965.5), dbSNP rs587776414, ClinGen allele CA294555.

ClinVar aggregate classification (germline): Pathogenic. Review status: criteria provided, single submitter (1 of 4 stars). 3 submissions from 3 submitters: Pathogenic (1). 2 of the submissions do not count toward it. Last evaluated 2024-04-12.

Conditions:
Hereditary cancer-predisposing syndrome. Also called: Hereditary Cancer Syndrome; Neoplastic Syndromes, Hereditary; Hereditary neoplastic syndrome; Tumor predisposition. Identifiers: Orphanet 140162, MedGen C0027672, MeSH D009386, MONDO:0015356.
Familial cancer of breast. Also called: BREAST CANCER, FAMILIAL; Hereditary breast cancer; hereditary breast carcinoma. Identifiers: Orphanet 227535, MedGen C0346153, MONDO:0016419, OMIM 114480. Disease mechanism: loss of function.

Submissions (3):

Ambry Genetics
Classification: Pathogenic for Hereditary cancer-predisposing syndrome. Last evaluated: 2024-04-12. Review status: criteria provided, single submitter. Criteria: Ambry Variant Classification Scheme 2023. Collection method: clinical testing. Allele origin: germline.
Comment: The c.1591_1600del10 pathogenic mutation, located in coding exon 4 of the PALB2 gene, results from a deletion of 10 nucleotides at nucleotide positions 1591 to 1600, causing a translational frameshift with a predicted alternate stop codon (p.P532Afs*26). This variant was reported in cohorts of Greek patients with early onset breast cancer and a family history of breast cancer (Fostira F et al. J Med Genet, 2020 Jan;57:53-61). (Antoniou AC et al. N Engl J Med, 2014 Aug;371:497-506). This variant is considered to be rare based on population cohorts in the Genome Aggregation Database (gnomAD). In addition to the clinical data presented in the literature, this alteration is expected to result in loss of function by premature protein truncation or nonsense-mediated mRNA decay. As such, this alteration is interpreted as a disease-causing mutation.

Leiden Open Variation Database
Classification: Pathogenic for Familial cancer of breast. Last evaluated: 2019-12-23. Review status: no assertion criteria provided. Collection method: curation. Allele origin: germline. Affected: no. Not counted in ClinVar's aggregate classification.
Comment: Curators: Marc Tischkowitz, Arleen D. Auerbach. Submitters to LOVD: Florentia Fostira, Marc Tischkowitz.

SNPedia
Classification: Pathogenic. Review status: no assertion criteria provided. Collection method: not provided. Allele origin: germline. Not counted in ClinVar's aggregate classification.
ClinVar note: Converted during submission from pathogenic to Pathogenic.

Literature cited by the submitters: PubMed 25099575 (cited by Ambry Genetics and Leiden Open Variation Database); PubMed 31300551 (cited by Ambry Genetics and Leiden Open Variation Database).